The following is an entry in ClinVar:

NM_001365276.2(TNXB):c.8661G>A (p.Val2887=)

Gene: TNXB (tenascin XB; minus strand). Cytogenetic location: 6p21.33.
Variant type: single nucleotide variant.
Coding change: c.8661G>A on transcript NM_001365276.2 (MANE Select); coding-DNA position 8661, G replaced by A.
Protein change: p.Val2887=; no amino-acid change (valine 2887 retained).
Molecular consequence: synonymous variant.
Genome position (GRCh38, 1-based): chr6:32,053,518, C>T on the plus strand (G>A on the coding strand, the complement: TNXB is on the minus strand). VCF-style: chr6-32053518-C-T. GRCh37 (hg19) VCF-style: chr6-32021295-C-T.
Other names: c.8655G>A, p.Val2885= (NM_019105.8).
Identifiers: ClinVar variation 1764195 (VCV001764195.9), dbSNP rs762160051, ClinGen allele CA3733782.

ClinVar aggregate classification (germline): Likely benign. Review status: criteria provided, multiple submitters, no conflicts (2 of 4 stars). 2 submissions from 2 submitters: Likely benign (2). Last evaluated 2025-03-01.

Conditions:
Cardiovascular phenotype. Identifiers: MedGen CN230736.

Allele frequency attached by ClinVar (database versions not stated): gnomAD exomes below 0.00001; ExAC 0.00001; gnomAD 0.00001.
gnomAD v4.1: 6 of 1,613,498 alleles (0.00037%); highest among the groups gnomAD compares: African/African-American, 0.0013%; no homozygotes.

Submissions (2):

CeGaT Center for Human Genetics Tuebingen
Classification: Likely benign. Last evaluated: 2025-03-01. Review status: criteria provided, single submitter. Criteria: CeGaT Center For Human Genetics Tuebingen Variant Classification Criteria Version 2. Collection method: clinical testing. Allele origin: germline. Affected: yes. Observed: 1 variant allele.
Comment: TNXB: BP4, BP7

Ambry Genetics
Classification: Likely benign for Cardiovascular phenotype. Last evaluated: 2021-12-03. Review status: criteria provided, single submitter. Criteria: Ambry Variant Classification Scheme 2023. Collection method: clinical testing. Allele origin: germline.